The following is an entry in ClinVar:

ClinVar aggregate classification (germline): Uncertain significance. Review status: criteria provided, multiple submitters, no conflicts (2 of 4 stars). 2 submissions from 2 submitters: Uncertain significance (2). Last evaluated 2026-07-13.

Conditions:
PROM1-related disorder. Also called: PROM1-related condition; PROM1-related disorders.

gnomAD v4.1: 3 of 1,613,424 alleles (0.00019%); highest among the groups gnomAD compares: Non-Finnish European, 0.00025%; no homozygotes.

Submissions (2):

PreventionGenetics, part of Exact Sciences
Classification: Uncertain significance for PROM1-related condition. Last evaluated: 2026-07-13. Review status: criteria provided, single submitter. Criteria: ACMG Guidelines, 2015. Collection method: clinical testing. Allele origin: germline.
Comment: The PROM1 c.277-3C>T variant is predicted to interfere with splicing. To our knowledge, this variant has not been reported in the literature. This variant is absent in a large population database (gnomAD). At this time, the clinical significance of this variant is uncertain due to the absence of conclusive functional and genetic evidence.

Blueprint Genetics
Classification: Uncertain significance. Last evaluated: 2024-04-18. Review status: criteria provided, single submitter. Criteria: ACMG Guidelines, 2015. Collection method: clinical testing. Allele origin: germline.

NM_006017.3(PROM1):c.277-3C>T

Gene: PROM1 (prominin 1; minus strand). Cytogenetic location: 4p15.32.
Variant type: single nucleotide variant.
Coding change: c.277-3C>T on transcript NM_006017.3 (MANE Select); 3 bases into the intron before coding-DNA position 277, C replaced by T.
Molecular consequence: intron variant.
Genome position (GRCh38, 1-based): chr4:16,035,764, G>A on the plus strand (C>T on the coding strand, the complement: PROM1 is on the minus strand). VCF-style: chr4-16035764-G-A. GRCh37 (hg19) VCF-style: chr4-16037387-G-A.
Other names: c.-63-2255C>T (NM_001441179.1); c.277-2255C>T (NM_001441174.1, NM_001441177.1, NM_001441178.1 and 10 more transcripts); c.277-3C>T (NM_001145850.2, NM_001145849.2, NM_006017.2).
Identifiers: ClinVar variation 4966733 (VCV004966733.2).